The following is an entry in ClinVar:

NM_006073.4(TRDN):c.1624+3A>G

Gene: TRDN (triadin; minus strand). Cytogenetic location: 6q22.31.
Variant type: single nucleotide variant.
Coding change: c.1624+3A>G on transcript NM_006073.4 (MANE Select); 3 bases into the intron after coding-DNA position 1624, A replaced by G.
Molecular consequence: intron variant.
Genome position (GRCh38, 1-based): chr6:123,273,334, T>C on the plus strand (A>G on the coding strand, the complement: TRDN is on the minus strand). VCF-style: chr6-123273334-T-C. GRCh37 (hg19) VCF-style: chr6-123594479-T-C.
Identifiers: ClinVar variation 1057894 (VCV001057894.10), dbSNP rs917121544, ClinGen allele CA147231741.
Genomic context (GRCh38, chr6:123,273,334, plus strand): 5'-TGAAAACGTTTCAATATTTTTTCGTAAGAAAGTCTAAGCATAAAAGATAAAATTAATACA[T>C]ACTGTGTATTTGCACTTTTTCAGATATAGCTAAAATAAATAAATAACATATTAGATTAAA-3'

ClinVar aggregate classification (germline): Uncertain significance. Review status: criteria provided, multiple submitters, no conflicts (2 of 4 stars). 2 submissions from 2 submitters: Uncertain significance (2). Last evaluated 2022-02-20.

Conditions:
Cardiovascular phenotype. Identifiers: MedGen CN230736.
Catecholaminergic polymorphic ventricular tachycardia 1. Also called: VENTRICULAR TACHYCARDIA, CATECHOLAMINERGIC POLYMORPHIC, 1, WITH OR WITHOUT ATRIAL DYSFUNCTION AND/OR DILATED CARDIOMYOPATHY; RYR2-Related Catecholaminergic Polymorphic Ventricular Tachycardia; VENTRICULAR TACHYCARDIA, STRESS-INDUCED POLYMORPHIC 1. Identifiers: Orphanet 3286, MedGen C1631597, MONDO:0011484, OMIM 604772.

Allele frequency attached by ClinVar (database versions not stated): gnomAD exomes below 0.00001; gnomAD 0.00001; TOPMed 0.00002.
gnomAD v4.1: 3 of 1,063,894 alleles (0.00028%); highest among the groups gnomAD compares: Admixed American, 0.0038%; no homozygotes.

Submissions (2):

Ambry Genetics
Classification: Uncertain significance for Cardiovascular phenotype. Last evaluated: 2022-02-20. Review status: criteria provided, single submitter. Criteria: Ambry Variant Classification Scheme 2023. Collection method: clinical testing. Allele origin: germline.
Comment: The c.1624+3A>G intronic variant results from an A to G substitution 3 nucleotides after coding exon 28 in the TRDN gene. This nucleotide position is well conserved in available vertebrate species. In silico splice site analysis for this alteration is inconclusive. Since supporting evidence is limited at this time, the clinical significance of this alteration remains unclear.

Labcorp Genetics (formerly Invitae), Labcorp
Classification: Uncertain significance for Catecholaminergic polymorphic ventricular tachycardia 1. Last evaluated: 2021-10-28. Review status: criteria provided, single submitter. Criteria: Invitae Variant Classification Sherloc (09022015). Collection method: clinical testing. Allele origin: germline.
Comment: In summary, the available evidence is currently insufficient to determine the role of this variant in disease. Therefore, it has been classified as a Variant of Uncertain Significance. Variants that disrupt the consensus splice site are a relatively common cause of aberrant splicing (PMID: 17576681, 9536098). Algorithms developed to predict the effect of sequence changes on RNA splicing suggest that this variant may disrupt the consensus splice site. ClinVar contains an entry for this variant (Variation ID: 1057894). This variant has not been reported in the literature in individuals affected with TRDN-related conditions. This variant is not present in population databases (gnomAD no frequency). This sequence change falls in intron 28 of the TRDN gene. It does not directly change the encoded amino acid sequence of the TRDN protein. It affects a nucleotide within the consensus splice site.

Literature cited by the submitters: PubMed 17576681 (cited by Labcorp Genetics (formerly Invitae), Labcorp); PubMed 9536098 (cited by Labcorp Genetics (formerly Invitae), Labcorp).